The following is an entry in ClinVar:

ClinVar aggregate classification (germline): Uncertain significance (1 of 4 stars; one submission).

Conditions:
Inborn genetic diseases. Identifiers: MedGen C0950123, MeSH D030342.

gnomAD v4.1: 1 of 1,613,798 alleles (0.000062%); highest among the groups gnomAD compares: Non-Finnish European, 0.000085%; no homozygotes.

Submission:

Ambry Genetics
Classification: Uncertain significance for Inborn genetic diseases. Last evaluated: 2025-10-10. Review status: criteria provided, single submitter. Criteria: Ambry Variant Classification Scheme 2023. Collection method: clinical testing. Allele origin: germline.
Comment: The p.S327L variant (also known as c.980C>T), located in coding exon 9 of the ANKRD26 gene, results from a C to T substitution at nucleotide position 980. The serine at codon 327 is replaced by leucine, an amino acid with dissimilar properties. This amino acid position is conserved. In addition, this alteration is predicted to be tolerated by in silico analysis. Based on the available evidence, the clinical significance of this variant remains unclear.

NM_014915.3(ANKRD26):c.980C>T (p.Ser327Leu)

Gene: ANKRD26 (ankyrin repeat domain 26; minus strand). Cytogenetic location: 10p12.1.
Variant type: single nucleotide variant.
Coding change: c.980C>T on transcript NM_014915.3 (MANE Select); coding-DNA position 980, C replaced by T.
Protein change: p.Ser327Leu; replaces serine 327 with leucine.
Molecular consequence: missense variant.
Genome position (GRCh38, 1-based): chr10:27,077,435, G>A on the plus strand (C>T on the coding strand, the complement: ANKRD26 is on the minus strand). VCF-style: chr10-27077435-G-A. GRCh37 (hg19) VCF-style: chr10-27366364-G-A.
Other names: c.980C>T, p.Ser327Leu (NM_001256053.2); short protein forms S327L.
Identifiers: ClinVar variation 4579271 (VCV004579271.1).
Genomic context (GRCh38, chr10:27,077,435, plus strand): 5'-GGTTTTGGAAGAAGGTCAGGTGATTGATAGGTAGGATGAGAAAAGCACTGGACTTTGATT[G>A]ATGTTGTAGGAAGGCTTTCAACCACAACTTCATCTTGACTATCGGAATCTCTATCCTCAA-3'
Protein context (NP_055730.2, residues 317-337): EVVVESLPTT[Ser327Leu]IKVQCFSHPT